The following is an entry in ClinVar:

NM_000435.3(NOTCH3):c.1586dup (p.Tyr529Ter)

Gene: NOTCH3 (notch receptor 3; minus strand). Cytogenetic location: 19p13.12.
Variant type: Duplication.
Coding change: c.1586dup on transcript NM_000435.3 (MANE Select); coding-DNA position 1586, one base duplicated (A; older notation c.1586dupA).
Protein change: p.Tyr529Ter; replaces tyrosine 529 with a stop codon.
Molecular consequence: nonsense.
Genome position (GRCh38, 1-based): chr19:15,187,901, T duplicated on the plus strand (A on the coding strand, the reverse complement: NOTCH3 is on the minus strand). VCF-style (leftmost placement, unchanged base first): chr19-15187900-G-GT. GRCh37 (hg19) VCF-style: chr19-15298711-G-GT.
Other names: short protein forms Y529*.
Identifiers: ClinVar variation 4853885 (VCV004853885.1).

ClinVar aggregate classification (germline): Pathogenic (1 of 4 stars; one submission).

Conditions:
Cerebral arteriopathy, autosomal recessive, with subcortical infarcts and leukoencephalopathy 1. Identifiers: MedGen C6065897, MONDO:0979867, OMIM 621295.

Submission:

3billion
Classification: Pathogenic for Cerebral arteriopathy, autosomal recessive, with subcortical infarcts and leukoencephalopathy 1. Last evaluated: 2025-10-07. Review status: criteria provided, single submitter. Criteria: ACMG Guidelines, 2015. Collection method: clinical testing. Allele origin: germline. Affected: yes.
Comment: The variant is not observed in the gnomAD v4.1.0 dataset. Predicted Consequence/Location: Stop-gained (nonsense): predicted to result in a loss or disruption of normal protein function through nonsense-mediated decay (NMD) or protein truncation. Multiple pathogenic variants are reported downstream of the variant. Therefore, this variant is classified as Pathogenic according to the recommendation of ACMG/AMP guideline.